The following is an entry in ClinVar:

ClinVar aggregate classification (germline): Uncertain significance (1 of 4 stars; one submission).

Conditions:
Hereditary breast ovarian cancer syndrome. Also called: Hereditary breast and ovarian cancer syndrome; Hereditary breast and ovarian cancer syndrome (HBOC); BRCA1- and BRCA2-Associated Hereditary Breast and Ovarian Cancer; Breast and ovarian cancer; Hereditary breast and ovarian cancer; Hereditary breast and/or ovarian cancer syndrome. Identifiers: Orphanet 145, MedGen C0677776, MeSH D061325, MONDO:0003582. Disease mechanism: loss of function.

Submission:

Labcorp Genetics (formerly Invitae), Labcorp
Classification: Uncertain significance for Hereditary breast ovarian cancer syndrome. Last evaluated: 2025-05-12. Review status: criteria provided, single submitter. Criteria: Invitae Variant Classification Sherloc (09022015). Collection method: clinical testing. Allele origin: germline.
Comment: This sequence change replaces serine, which is neutral and polar, with threonine, which is neutral and polar, at codon 1203 of the BRCA2 protein (p.Ser1203Thr). This variant is not present in population databases (gnomAD no frequency). This variant has not been reported in the literature in individuals affected with BRCA2-related conditions. Invitae Evidence Modeling of protein sequence and biophysical properties (such as structural, functional, and spatial information, amino acid conservation, physicochemical variation, residue mobility, and thermodynamic stability) indicates that this missense variant is not expected to disrupt BRCA2 protein function with a negative predictive value of 95%. In summary, the available evidence is currently insufficient to determine the role of this variant in disease. Therefore, it has been classified as a Variant of Uncertain Significance.

NM_000059.4(BRCA2):c.3608G>C (p.Ser1203Thr)

Gene: BRCA2 (BRCA2 DNA repair associated; plus strand). Cytogenetic location: 13q13.1.
Variant type: single nucleotide variant.
Coding change: c.3608G>C on transcript NM_000059.4 (MANE Select); coding-DNA position 3608, G replaced by C.
Protein change: p.Ser1203Thr; replaces serine 1203 with threonine.
Molecular consequence: missense variant. On other transcripts: non-coding transcript variant (1), intron variant (2).
Genome position (GRCh38, 1-based): chr13:32,337,963, G>C. VCF-style: chr13-32337963-G-C. GRCh37 (hg19) VCF-style: chr13-32912100-G-C.
Other names: c.3608G>C, p.Ser1203Thr (NM_001406719.1, NM_001406720.1, NM_001432077.1); c.1909+4576G>C (NM_001406721.1); c.425-6595G>C (NM_001406722.1); short protein forms S1203T.
Identifiers: ClinVar variation 4781507 (VCV004781507.1).